The following is an entry in ClinVar:

ClinVar aggregate classification (germline): Uncertain significance. Review status: criteria provided, multiple submitters, no conflicts (2 of 4 stars). 2 submissions from 2 submitters: Uncertain significance (2). Last evaluated 2025-03-17.

Conditions:
EGFR-related lung cancer (EGFR). Identifiers: MedGen CN130014.
Hereditary cancer-predisposing syndrome. Also called: Hereditary Cancer Syndrome; Neoplastic Syndromes, Hereditary; Tumor predisposition; Hereditary neoplastic syndrome. Identifiers: Orphanet 140162, MedGen C0027672, MeSH D009386, MONDO:0015356.

Submissions (2):

Ambry Genetics
Classification: Uncertain significance for Hereditary cancer-predisposing syndrome. Last evaluated: 2025-03-17. Review status: criteria provided, single submitter. Criteria: Ambry Variant Classification Scheme 2023. Collection method: clinical testing. Allele origin: germline.
Comment: The p.E758D variant (also known as c.2274A>T), located in coding exon 19 of the EGFR gene, results from an A to T substitution at nucleotide position 2274. The glutamic acid at codon 758 is replaced by aspartic acid, an amino acid with highly similar properties. This amino acid position is highly conserved in available vertebrate species. In addition, the in silico prediction for this alteration is inconclusive. Based on the available evidence, the clinical significance of this variant remains unclear.

Labcorp Genetics (formerly Invitae), Labcorp
Classification: Uncertain significance for EGFR-related lung cancer. Last evaluated: 2022-08-21. Review status: criteria provided, single submitter. Criteria: Invitae Variant Classification Sherloc (09022015). Collection method: clinical testing. Allele origin: germline.
Comment: This sequence change replaces glutamic acid, which is acidic and polar, with aspartic acid, which is acidic and polar, at codon 758 of the EGFR protein (p.Glu758Asp). In summary, the available evidence is currently insufficient to determine the role of this variant in disease. Therefore, it has been classified as a Variant of Uncertain Significance. Algorithms developed to predict the effect of missense changes on protein structure and function are either unavailable or do not agree on the potential impact of this missense change (SIFT: "Deleterious"; PolyPhen-2: "Benign"; Align-GVGD: "Class C0"). This variant has not been reported in the literature in individuals affected with EGFR-related conditions. This variant is not present in population databases (gnomAD no frequency).

NM_005228.5(EGFR):c.2274A>T (p.Glu758Asp)

Gene: EGFR (epidermal growth factor receptor; plus strand). Cytogenetic location: 7p11.2.
Variant type: single nucleotide variant.
Coding change: c.2274A>T on transcript NM_005228.5 (MANE Select); coding-DNA position 2274, A replaced by T.
Protein change: p.Glu758Asp; replaces glutamic acid 758 with aspartic acid.
Molecular consequence: missense variant.
Genome position (GRCh38, 1-based): chr7:55,174,811, A>T. VCF-style: chr7-55174811-A-T. GRCh37 (hg19) VCF-style: chr7-55242504-A-T.
Other names: c.2139A>T, p.Glu713Asp (NM_001346897.2, NM_001346899.2); c.2274A>T, p.Glu758Asp (NM_001346898.2); c.2115A>T, p.Glu705Asp (NM_001346900.2); c.1473A>T, p.Glu491Asp (NM_001346941.2); short protein forms E491D, E713D, E758D, E705D.
Identifiers: ClinVar variation 1978211 (VCV001978211.6), dbSNP rs2128954889, ClinGen allele CA367584225.
Genomic context (GRCh38, chr7:55,174,811, plus strand): 5'-TAAAATTCCCGTCGCTATCAAGGAATTAAGAGAAGCAACATCTCCGAAAGCCAACAAGGA[A>T]ATCCTCGATGTGAGTTTCTGCTTTGCTGTGTGGGGGTCCATGGCTCTGAACCTCAGGCCC-3'
Protein context (NP_005219.2, residues 748-768): REATSPKANK[Glu758Asp]ILDEAYVMAS